The following is an entry in ClinVar:

NM_001184.4(ATR):c.6383A>G (p.Glu2128Gly)

Gene: ATR (ATR checkpoint kinase; minus strand). Cytogenetic location: 3q23.
Variant type: single nucleotide variant.
Coding change: c.6383A>G on transcript NM_001184.4 (MANE Select); coding-DNA position 6383, A replaced by G.
Protein change: p.Glu2128Gly; replaces glutamic acid 2128 with glycine.
Molecular consequence: missense variant.
Genome position (GRCh38, 1-based): chr3:142,469,506, T>C on the plus strand (A>G on the coding strand, the complement: ATR is on the minus strand). VCF-style: chr3-142469506-T-C. GRCh37 (hg19) VCF-style: chr3-142188348-T-C.
Other names: c.6191A>G, p.Glu2064Gly (NM_001354579.2); short protein forms E2064G, E2128G.
Identifiers: ClinVar variation 1753185 (VCV001753185.3), dbSNP rs2108279410, ClinGen allele CA354805133.

ClinVar aggregate classification (germline): Uncertain significance (1 of 4 stars; one submission).

Conditions:
Inborn genetic diseases. Identifiers: MedGen C0950123, MeSH D030342.

Submission:

Ambry Genetics
Classification: Uncertain significance for Inborn genetic diseases. Last evaluated: 2024-09-15. Review status: criteria provided, single submitter. Criteria: Ambry Variant Classification Scheme 2023. Collection method: clinical testing. Allele origin: germline.
Comment: The p.E2128G variant (also known as c.6383A>G), located in coding exon 38 of the ATR gene, results from an A to G substitution at nucleotide position 6383. The glutamic acid at codon 2128 is replaced by glycine, an amino acid with similar properties. This amino acid position is conserved. In addition, this alteration is predicted to be tolerated by in silico analysis. Since supporting evidence is limited at this time, the clinical significance of this alteration remains unclear.